The following is an entry in ClinVar:

NM_000320.3(QDPR):c.105+2T>A

Genes: QDPR (quinoid dihydropteridine reductase; minus strand), LOC129992304 (ATAC-STARR-seq lymphoblastoid silent region 15310; plus strand). Cytogenetic location: 4p15.32.
Variant type: single nucleotide variant.
Coding change: c.105+2T>A on transcript NM_000320.3 (MANE Select); the canonical splice donor site of the intron after coding-DNA position 105, T replaced by A.
Molecular consequence: splice donor variant.
Genome position (GRCh38, 1-based): chr4:17,511,948, A>T on the plus strand (T>A on the coding strand, the complement: QDPR is on the minus strand). VCF-style: chr4-17511948-A-T. GRCh37 (hg19) VCF-style: chr4-17513571-A-T.
Other names: c.105+2T>A (NM_001306140.2).
Identifiers: ClinVar variation 2631990 (VCV002631990.5), dbSNP rs1254995369, ClinGen allele CA356454270.

ClinVar aggregate classification (germline): Pathogenic/Likely pathogenic. Review status: criteria provided, multiple submitters, no conflicts (2 of 4 stars). 2 submissions from 2 submitters: Pathogenic (1); Likely pathogenic (1). Last evaluated 2023-07-26.

Conditions:
Dihydropteridine reductase deficiency (HPABH4C). Also called: BH4-Deficient Hyperphenylalaninemia C; HYPERPHENYLALANINEMIA, TETRAHYDROBIOPTERIN-DEFICIENT, DUE TO DHPR DEFICIENCY; QDPR DEFICIENCY; QUINOID DIHYDROPTERIDINE REDUCTASE DEFICIENCY; Phenylketonuria II; Hyperphenylalaninemia due to dihydropteridine reductase deficiency. Identifiers: Orphanet 226, Orphanet 238583, MedGen C0268465, MONDO:0009862, OMIM 261630.
QDPR-related disorder. Also called: QDPR-related condition.

Allele frequency attached by ClinVar (database versions not stated): gnomAD exomes below 0.00001; gnomAD 0.00001; TOPMed 0.00001.
gnomAD v4.1: 6 of 1,608,904 alleles (0.00037%); highest among the groups gnomAD compares: Non-Finnish European, 0.00051%; no homozygotes.

Submissions (2):

PreventionGenetics, part of Exact Sciences
Classification: Pathogenic for QDPR-related condition. Last evaluated: 2023-07-26. Review status: criteria provided, single submitter. Criteria: ACMG Guidelines, 2015. Collection method: clinical testing. Allele origin: germline.
Comment: The QDPR c.105+2T>A variant is predicted to disrupt the GT donor site and interfere with normal splicing. To our knowledge, this variant has not been reported in the literature or in a large population database, indicating this variant is rare. Variants that disrupt the consensus splice donor site in QDPR are expected to be pathogenic. This variant is interpreted as pathogenic.

Labcorp Genetics (formerly Invitae), Labcorp
Classification: Likely pathogenic for Dihydropteridine reductase deficiency. Last evaluated: 2023-06-16. Review status: criteria provided, single submitter. Criteria: Invitae Variant Classification Sherloc (09022015). Collection method: clinical testing. Allele origin: germline.
Comment: This sequence change affects a donor splice site in intron 1 of the QDPR gene. It is expected to disrupt RNA splicing. Variants that disrupt the donor or acceptor splice site typically lead to a loss of protein function (PMID: 16199547), and loss-of-function variants in QDPR are known to be pathogenic (PMID: 7627180, 11153907). This variant is not present in population databases (gnomAD no frequency). This variant has not been reported in the literature in individuals affected with QDPR-related conditions. Algorithms developed to predict the effect of sequence changes on RNA splicing suggest that this variant may disrupt the consensus splice site. In summary, the currently available evidence indicates that the variant is pathogenic, but additional data are needed to prove that conclusively. Therefore, this variant has been classified as Likely Pathogenic.

Literature cited by the submitters: PubMed 16199547 (cited by Labcorp Genetics (formerly Invitae), Labcorp); PubMed 7627180 (cited by Labcorp Genetics (formerly Invitae), Labcorp); PubMed 11153907 (cited by Labcorp Genetics (formerly Invitae), Labcorp).